The following is an entry in ClinVar:

ClinVar aggregate classification (germline): Likely benign. Review status: criteria provided, single submitter (1 of 4 stars). 2 submissions from 2 submitters: Likely benign (1). 1 of the submissions does not count toward it. Last evaluated 2022-09-18.

Conditions:
WDR11-related disorder. Also called: WDR11-related condition.

Allele frequency attached by ClinVar (database versions not stated): gnomAD 0.00011 and 0.00012; gnomAD exomes 0.00013 and 0.00014; TOPMed 0.00013; ExAC 0.00022; ESP Exome Variant Server 0.00023.
gnomAD v4.1: 208 of 1,613,100 alleles (0.013%); highest among the groups gnomAD compares: Non-Finnish European, 0.017%; no homozygotes.

Submissions (2):

Labcorp Genetics (formerly Invitae), Labcorp
Classification: Likely benign. Last evaluated: 2022-09-18. Review status: criteria provided, single submitter. Criteria: Invitae Variant Classification Sherloc (09022015). Collection method: clinical testing. Allele origin: germline.

PreventionGenetics, part of Exact Sciences
Classification: Likely benign for WDR11-related condition. Last evaluated: 2021-12-27. Review status: no assertion criteria provided. Collection method: clinical testing. Allele origin: germline. Not counted in ClinVar's aggregate classification.
Comment: This variant is classified as likely benign based on ACMG/AMP sequence variant interpretation guidelines (Richards et al. 2015 PMID: 25741868, with internal and published modifications).

NM_018117.12(WDR11):c.3437+8G>A

Gene: WDR11 (WD repeat domain 11; plus strand). Cytogenetic location: 10q26.12.
Variant type: single nucleotide variant.
Coding change: c.3437+8G>A on transcript NM_018117.12 (MANE Select); 8 bases into the intron after coding-DNA position 3437, G replaced by A.
Molecular consequence: intron variant.
Genome position (GRCh38, 1-based): chr10:120,906,029, G>A. VCF-style: chr10-120906029-G-A. GRCh37 (hg19) VCF-style: chr10-122665541-G-A.
Identifiers: ClinVar variation 704233 (VCV000704233.9), dbSNP rs369772243, ClinGen allele CA5720322.